The following is an entry in ClinVar:

ClinVar aggregate classification (germline): Uncertain significance. Review status: criteria provided, multiple submitters, no conflicts (2 of 4 stars). 2 submissions from 2 submitters: Uncertain significance (2). Last evaluated 2024-03-07.

Conditions:
Hypokalemic periodic paralysis, type 1. Also called: Hypokalemic Periodic Paralysis Type 1 (AD); HypoPP. Identifiers: Orphanet 681, MedGen C3714580, MONDO:0042979, OMIM 170400.
Malignant hyperthermia, susceptibility to, 5 (MHS5). Also called: CACNA1S-Related Malignant Hyperthermia Susceptibility. Identifiers: Orphanet 423, MedGen C1866077, MONDO:0011163, OMIM 601887.

Submissions (2):

Labcorp Genetics (formerly Invitae), Labcorp
Classification: Uncertain significance for Hypokalemic periodic paralysis, type 1; Malignant hyperthermia, susceptibility to, 5. Last evaluated: 2024-03-07. Review status: criteria provided, single submitter. Criteria: Invitae Variant Classification Sherloc (09022015). Collection method: clinical testing. Allele origin: germline.
Comment: This sequence change replaces glycine, which is neutral and non-polar, with glutamic acid, which is acidic and polar, at codon 582 of the CACNA1S protein (p.Gly582Glu). This variant is present in population databases (rs377459546, gnomAD 0.01%). This variant has not been reported in the literature in individuals affected with CACNA1S-related conditions. Advanced modeling of protein sequence and biophysical properties (such as structural, functional, and spatial information, amino acid conservation, physicochemical variation, residue mobility, and thermodynamic stability) performed at Invitae indicates that this missense variant is expected to disrupt CACNA1S protein function with a positive predictive value of 80%. In summary, the available evidence is currently insufficient to determine the role of this variant in disease. Therefore, it has been classified as a Variant of Uncertain Significance.

All of Us Research Program, National Institutes of Health
Classification: Uncertain significance for Malignant hyperthermia, susceptibility to, 5. Last evaluated: 2024-03-05. Review status: criteria provided, single submitter. Criteria: ACMG Guidelines, 2015. Collection method: clinical testing. Allele origin: germline. Inheritance: Autosomal dominant inheritance. Observed: 1 variant allele, 1 heterozygote.
Comment: This study involves interpretation of variants in research participants for the purpose of population health screening. Participant phenotype was not available at the time of variant classification. Additional details can be found in publication PMID: 35346344, PMCID: PMC8962531

NM_000069.3(CACNA1S):c.1745G>A (p.Gly582Glu)

Gene: CACNA1S (calcium voltage-gated channel subunit alpha1 S; minus strand). Cytogenetic location: 1q32.1.
Variant type: single nucleotide variant.
Coding change: c.1745G>A on transcript NM_000069.3 (MANE Select); coding-DNA position 1745, G replaced by A.
Protein change: p.Gly582Glu; replaces glycine 582 with glutamic acid.
Molecular consequence: missense variant.
Genome position (GRCh38, 1-based): chr1:201,077,002, C>T on the plus strand (G>A on the coding strand, the complement: CACNA1S is on the minus strand). VCF-style: chr1-201077002-C-T. GRCh37 (hg19) VCF-style: chr1-201046130-C-T.
Other names: short protein forms G582E.
Identifiers: ClinVar variation 3386373 (VCV003386373.3).